The following is an entry in ClinVar:

NM_000465.4(BARD1):c.2263G>A (p.Val755Ile)

Gene: BARD1 (BRCA1 associated RING domain 1; minus strand). Cytogenetic location: 2q35.
Variant type: single nucleotide variant.
Coding change: c.2263G>A on transcript NM_000465.4 (MANE Select); coding-DNA position 2263, G replaced by A.
Protein change: p.Val755Ile; replaces valine 755 with isoleucine.
Molecular consequence: missense variant. On other transcripts: non-coding transcript variant (3).
Genome position (GRCh38, 1-based): chr2:214,728,747, C>T on the plus strand (G>A on the coding strand, the complement: BARD1 is on the minus strand). VCF-style: chr2-214728747-C-T. GRCh37 (hg19) VCF-style: chr2-215593471-C-T.
Other names: c.2206G>A, p.Val736Ile (NM_001282543.2); c.910G>A, p.Val304Ile (NM_001282545.2); c.853G>A, p.Val285Ile (NM_001282548.2); c.724G>A, p.Val242Ile (NM_001282549.2); short protein forms V755I, V242I, V304I, V285I, V736I.
Identifiers: ClinVar variation 231229 (VCV000231229.10), dbSNP rs876659038, ClinGen allele CA10577760.
Genomic context (GRCh38, chr2:214,728,747, plus strand): 5'-GAGGAAGCAACTCAAAGGACATCACACAGTCTATAAACCAGCTCGAAGGAGCCTTCCAGA[C>T]TTTGCCCTGCCGAACCCTCTCTGGGTGATAATTACACAAATCTTCATAGATGATATACTG-3'
Protein context (NP_000456.2, residues 745-765): YHPERVRQGK[Val755Ile]WKAPSSWFID

ClinVar aggregate classification (germline): Uncertain significance. Review status: criteria provided, multiple submitters, no conflicts (2 of 4 stars). 2 submissions from 2 submitters: Uncertain significance (2). Last evaluated 2022-04-12.

Conditions:
Hereditary cancer-predisposing syndrome. Also called: Neoplastic Syndromes, Hereditary; Tumor predisposition; Hereditary Cancer Syndrome; Hereditary neoplastic syndrome. Identifiers: Orphanet 140162, MedGen C0027672, MeSH D009386, MONDO:0015356.
Familial cancer of breast. Also called: BREAST CANCER, FAMILIAL; hereditary breast carcinoma; Hereditary breast cancer. Identifiers: Orphanet 227535, MedGen C0346153, MONDO:0016419, OMIM 114480. Disease mechanism: loss of function.

Submissions (2):

Labcorp Genetics (formerly Invitae), Labcorp
Classification: Uncertain significance for Familial cancer of breast. Last evaluated: 2022-04-12. Review status: criteria provided, single submitter. Criteria: Invitae Variant Classification Sherloc (09022015). Collection method: clinical testing. Allele origin: germline.
Comment: This sequence change replaces valine, which is neutral and non-polar, with isoleucine, which is neutral and non-polar, at codon 755 of the BARD1 protein (p.Val755Ile). In summary, the available evidence is currently insufficient to determine the role of this variant in disease. Therefore, it has been classified as a Variant of Uncertain Significance. Algorithms developed to predict the effect of missense changes on protein structure and function (SIFT, PolyPhen-2, Align-GVGD) all suggest that this variant is likely to be disruptive. ClinVar contains an entry for this variant (Variation ID: 231229). This variant has not been reported in the literature in individuals affected with BARD1-related conditions. This variant is not present in population databases (gnomAD no frequency).

Ambry Genetics
Classification: Uncertain significance for Hereditary cancer-predisposing syndrome. Last evaluated: 2015-04-01. Review status: criteria provided, single submitter. Criteria: Ambry Variant Classification Scheme 2023. Collection method: clinical testing. Allele origin: germline.
Comment: The p.V755I variant (also known as c.2263G>A), located in coding exon 11 of the BARD1 gene, results from a G to A substitution at nucleotide position 2263. The valine at codon 755 is replaced by isoleucine, an amino acid with highly similar properties. This variant was not reported in population based cohorts in the following databases: Database of Single Nucleotide Polymorphisms (dbSNP), NHLBI Exome Sequencing Project (ESP), and 1000 Genomes Project. In the ESP, this variant was not observed in 6503 samples (13006 alleles) with coverage at this position. To date, this alteration has been detected with an allele frequency of approximately 0.003% (greater than 40000 alleles tested) in our clinical cohort. This amino acid position is highly conserved in available vertebrate species. In addition, this alteration is predicted to be probably damaging and deleterious by PolyPhen and SIFT in silico analyses, respectively. Since supporting evidence is limited at this time, the clinical significance of p.V755I remains unclear.